The following is an entry in ClinVar:

NM_000051.4(ATM):c.5787T>C (p.Asn1929=)

Genes: ATM (ATM serine/threonine kinase; plus strand), C11orf65 (chromosome 11 open reading frame 65; minus strand). Cytogenetic location: 11q22.3.
Variant type: single nucleotide variant.
Coding change: c.5787T>C on transcript NM_000051.4 (MANE Select); coding-DNA position 5787, T replaced by C.
Protein change: p.Asn1929=; no amino-acid change (asparagine 1929 retained).
Molecular consequence: synonymous variant. On other transcripts: intron variant (2).
Genome position (GRCh38, 1-based): chr11:108,310,184, T>C. VCF-style: chr11-108310184-T-C. GRCh37 (hg19) VCF-style: chr11-108180911-T-C.
Other names: c.5787T>C, p.Asn1929= (NM_001351834.2); c.641-1113A>G (NM_001330368.2); c.*39-1113A>G (NM_001351110.2).
Identifiers: ClinVar variation 378990 (VCV000378990.9), dbSNP rs1057520448, ClinGen allele CA16606107.

ClinVar aggregate classification (germline): Benign/Likely benign. Review status: criteria provided, multiple submitters, no conflicts (2 of 4 stars). 3 submissions from 3 submitters: Benign (1); Likely benign (2). Last evaluated 2024-05-24.

Conditions:
Familial cancer of breast. Also called: hereditary breast carcinoma; Hereditary breast cancer; BREAST CANCER, FAMILIAL. Identifiers: Orphanet 227535, MedGen C0346153, MONDO:0016419, OMIM 114480. Disease mechanism: loss of function.
Ataxia-telangiectasia syndrome (AT). Also called: Ataxia-telangiectasia, complementation group D; Ataxia-telangiectasia, complementation group E; LOUIS-BAR SYNDROME; AT, COMPLEMENTATION GROUP C; ATAXIA-TELANGIECTASIA, COMPLEMENTATION GROUP A; ATAXIA-TELANGIECTASIA, FRESNO VARIANT. Identifiers: Orphanet 100, MedGen C0004135, MONDO:0008840, OMIM 208900.

Submissions (3):

Myriad Genetics, Inc.
Classification: Benign for Familial cancer of breast. Last evaluated: 2024-05-24. Review status: criteria provided, single submitter. Criteria: Myriad Autosomal Dominant, Autosomal Recessive and X-Linked Classification Criteria (2023). Collection method: clinical testing. Allele origin: unknown.
Comment: This variant is considered benign. This variant is a silent/synonymous amino acid change and it is not expected to impact splicing.

Labcorp Genetics (formerly Invitae), Labcorp
Classification: Likely benign for Ataxia-telangiectasia syndrome. Last evaluated: 2023-05-24. Review status: criteria provided, single submitter. Criteria: Invitae Variant Classification Sherloc (09022015). Collection method: clinical testing. Allele origin: germline.

GeneDx
Classification: Likely benign. Last evaluated: 2016-12-05. Review status: criteria provided, single submitter. Criteria: GeneDx Variant Classification (06012015). Collection method: clinical testing. Allele origin: germline. Affected: yes.
Comment: This variant is considered likely benign or benign based on one or more of the following criteria: it is a conservative change, it occurs at a poorly conserved position in the protein, it is predicted to be benign by multiple in silico algorithms, and/or has population frequency not consistent with disease.